The following is an entry in ClinVar:

ClinVar aggregate classification (germline): Uncertain significance. Review status: criteria provided, multiple submitters, no conflicts (2 of 4 stars). 2 submissions from 2 submitters: Uncertain significance (2). Last evaluated 2025-05-18.

Conditions:
Gastrointestinal stromal tumor. Also called: Gastrointestinal stroma tumor; Gastrointestinal stromal tumor, somatic. Identifiers: Orphanet 44890, MedGen C0238198, MeSH D046152, MONDO:0011719, OMIM 606764, HP:0100723.
Hereditary cancer-predisposing syndrome. Also called: Hereditary neoplastic syndrome; Tumor predisposition; Hereditary Cancer Syndrome; Neoplastic Syndromes, Hereditary. Identifiers: Orphanet 140162, MedGen C0027672, MeSH D009386, MONDO:0015356.

Submissions (2):

Ambry Genetics
Classification: Uncertain significance for Hereditary cancer-predisposing syndrome. Last evaluated: 2025-05-18. Review status: criteria provided, single submitter. Criteria: Ambry Variant Classification Scheme 2023. Collection method: clinical testing. Allele origin: germline.
Comment: The p.D1064V variant (also known as c.3191A>T), located in coding exon 22 of the PDGFRA gene, results from an A to T substitution at nucleotide position 3191. The aspartic acid at codon 1064 is replaced by valine, an amino acid with highly dissimilar properties. This amino acid position is conserved. In addition, the in silico prediction for this alteration is inconclusive. Based on the available evidence, the clinical significance of this variant remains unclear.

Labcorp Genetics (formerly Invitae), Labcorp
Classification: Uncertain significance for Gastrointestinal stromal tumor. Last evaluated: 2025-03-27. Review status: criteria provided, single submitter. Criteria: Invitae Variant Classification Sherloc (09022015). Collection method: clinical testing. Allele origin: germline.
Comment: This sequence change replaces aspartic acid, which is acidic and polar, with valine, which is neutral and non-polar, at codon 1064 of the PDGFRA protein (p.Asp1064Val). This variant is not present in population databases (gnomAD no frequency). This variant has not been reported in the literature in individuals affected with PDGFRA-related conditions. ClinVar contains an entry for this variant (Variation ID: 1432411). Invitae Evidence Modeling of protein sequence and biophysical properties (such as structural, functional, and spatial information, amino acid conservation, physicochemical variation, residue mobility, and thermodynamic stability) indicates that this missense variant is not expected to disrupt PDGFRA protein function with a negative predictive value of 80%. In summary, the available evidence is currently insufficient to determine the role of this variant in disease. Therefore, it has been classified as a Variant of Uncertain Significance.

NM_006206.6(PDGFRA):c.3191A>T (p.Asp1064Val)

Gene: PDGFRA (platelet derived growth factor receptor alpha; plus strand). Cytogenetic location: 4q12.
Variant type: single nucleotide variant.
Coding change: c.3191A>T on transcript NM_006206.6 (MANE Select); coding-DNA position 3191, A replaced by T.
Protein change: p.Asp1064Val; replaces aspartic acid 1064 with valine.
Molecular consequence: missense variant.
Genome position (GRCh38, 1-based): chr4:54,295,193, A>T. VCF-style: chr4-54295193-A-T. GRCh37 (hg19) VCF-style: chr4-55161360-A-T.
Other names: c.3266A>T, p.Asp1089Val (NM_001347828.2); c.3191A>T, p.Asp1064Val (NM_001347829.2); c.3230A>T, p.Asp1077Val (NM_001347830.2); c.3191A>T (NM_006206.4); short protein forms D1077V, D1064V, D1089V.
Identifiers: ClinVar variation 1432411 (VCV001432411.9), dbSNP rs375050626, ClinGen allele CA356896592.